The following is an entry in ClinVar:

NM_017950.4(CCDC40):c.2590_2591insAC (p.Thr864fs)

Gene: CCDC40 (coiled-coil domain 40 molecular ruler complex subunit; plus strand). Cytogenetic location: 17q25.3.
Variant type: Insertion.
Coding change: c.2590_2591insAC on transcript NM_017950.4 (MANE Select); coding-DNA positions 2590 to 2591, AC inserted.
Protein change: p.Thr864fs; shifts the reading frame from threonine 864.
Molecular consequence: frameshift variant.
Genome position: GRCh38 VCF-style: chr17-80087747-A-AAC. GRCh37 (hg19) VCF-style: chr17-78061546-A-AAC.
Other names: c.2590_2591insAC, p.Thr864fs (NM_001243342.2); short protein forms T864fs.
Identifiers: ClinVar variation 2970229 (VCV002970229.4), dbSNP rs780516910, ClinGen allele CA8814244.

ClinVar aggregate classification (germline): Pathogenic. Review status: criteria provided, multiple submitters, no conflicts (2 of 4 stars). 2 submissions from 2 submitters: Pathogenic (2). Last evaluated 2024-02-23.

Conditions:
Primary ciliary dyskinesia. Also called: Ciliary dyskinesia. Identifiers: Orphanet 244, MedGen C0008780, MONDO:0016575, HP:0012265.
CCDC40-related disorder. Also called: CCDC40-related condition.

Allele frequency attached by ClinVar (database versions not stated): TOPMed below 0.00001; ExAC 0.00001; gnomAD 0.00001; gnomAD exomes 0.00001.

Submissions (2):

Labcorp Genetics (formerly Invitae), Labcorp
Classification: Pathogenic for Primary ciliary dyskinesia. Last evaluated: 2024-02-23. Review status: criteria provided, single submitter. Criteria: Invitae Variant Classification Sherloc (09022015). Collection method: clinical testing. Allele origin: germline.
Comment: This sequence change creates a premature translational stop signal (p.Thr864Asnfs*10) in the CCDC40 gene. It is expected to result in an absent or disrupted protein product. Loss-of-function variants in CCDC40 are known to be pathogenic (PMID: 21131974, 22693285, 23255504). This variant is present in population databases (rs780516910, gnomAD 0.002%). This premature translational stop signal has been observed in individuals with primary ciliary dyskinesia (PMID: 22693285). Algorithms developed to predict the effect of sequence changes on RNA splicing suggest that this variant may disrupt the consensus splice site. For these reasons, this variant has been classified as Pathogenic.

Blueprint Genetics
Classification: Pathogenic for CCDC40-related disorders. Last evaluated: 2022-06-07. Review status: criteria provided, single submitter. Criteria: ACMG Guidelines, 2015. Collection method: clinical testing. Allele origin: germline. Affected: yes. Observed: 3 variant alleles.

Literature cited by the submitters: PubMed 21131974 (cited by Labcorp Genetics (formerly Invitae), Labcorp); PubMed 22693285 (cited by Labcorp Genetics (formerly Invitae), Labcorp); PubMed 23255504 (cited by Labcorp Genetics (formerly Invitae), Labcorp).